The following is an entry in ClinVar:

ClinVar aggregate classification (germline): Pathogenic/Likely pathogenic. Review status: criteria provided, multiple submitters, no conflicts (2 of 4 stars). 4 submissions from 4 submitters: Pathogenic (2); Likely pathogenic (2). Last evaluated 2024-02-23.

Conditions:
ADGRV1-related disorder. Also called: ADGRV1-related disorders; ADGRV1-related condition.
Rare genetic deafness. Identifiers: Orphanet 96210, MedGen C5680250.

Submissions (4):

Labcorp Genetics (formerly Invitae), Labcorp
Classification: Pathogenic. Last evaluated: 2024-02-23. Review status: criteria provided, single submitter. Criteria: Invitae Variant Classification Sherloc (09022015). Collection method: clinical testing. Allele origin: germline.
Comment: This sequence change creates a premature translational stop signal (p.Ser394Hisfs*12) in the ADGRV1 gene. It is expected to result in an absent or disrupted protein product. Loss-of-function variants in ADGRV1 are known to be pathogenic (PMID: 19357117, 22135276, 22147658, 26226137, 30718709, 31047384, 32467589). This variant is present in population databases (no rsID available, gnomAD 0.002%). This variant has not been reported in the literature in individuals affected with ADGRV1-related conditions. ClinVar contains an entry for this variant (Variation ID: 666991). For these reasons, this variant has been classified as Pathogenic.

Blueprint Genetics
Classification: Likely pathogenic for ADGRV1-related disorders. Last evaluated: 2023-05-17. Review status: criteria provided, single submitter. Criteria: ACMG Guidelines, 2015. Collection method: clinical testing. Allele origin: germline. Affected: yes. Observed: 4 variant alleles.

GeneDx
Classification: Likely pathogenic. Last evaluated: 2020-12-09. Review status: criteria provided, single submitter. Criteria: GeneDx Variant Classification Process June 2021. Collection method: clinical testing. Allele origin: germline. Affected: yes.
Comment: Frameshift variant predicted to result in protein truncation or nonsense mediated decay in a gene for which loss-of-function is a known mechanism of disease; Not observed at a significant frequency in large population cohorts (Lek et al., 2016); Has not been previously published as pathogenic or benign to our knowledge

Laboratory for Molecular Medicine, Mass General Brigham Personalized Medicine
Classification: Pathogenic for Rare genetic deafness. Last evaluated: 2018-04-05. Review status: criteria provided, single submitter. Criteria: LMM Criteria. Collection method: clinical testing. Allele origin: germline. Inheritance: Autosomal recessive inheritance. Observed: 2 variant alleles.
Comment: The p.Ser394fs variant in ADGRV1 has not been previously reported in individuals with Usher syndrome. This variant was present in 2/108680 European chromosomes by the Genome Aggregation Database (gnomAD); h owever, its frequency is low enough to be consistent with a recessive carrier fr equency. This variant is predicted to cause a frameshift, which alters the prote in?s amino acid sequence beginning at position 394 and leads to a premature term ination codon 12 amino acids downstream. This alteration is then predicted to le ad to a truncated or absent protein. Loss of function of the ADGRV1 gene is an e stablished disease mechanism for Usher syndrome. Furthermore, the presence of th is variant in trans with a pathogenic variant in an individual with hearing loss supports pathogenicity for the p.Ser394fs variant. In summary, this variant mee ts criteria to be classified as pathogenic for autosomal recessive Usher syndrom e based upon the predicted impact of the variant, low frequency in the general p opulation and presence in trans with a pathogenic variant. ACMG/AMP Criteria app lied: PVS1, PM2, PM3.

Literature cited by the submitters: PubMed 19357117 (cited by Labcorp Genetics (formerly Invitae), Labcorp); PubMed 22135276 (cited by Labcorp Genetics (formerly Invitae), Labcorp); PubMed 22147658 (cited by Labcorp Genetics (formerly Invitae), Labcorp); PubMed 26226137 (cited by Labcorp Genetics (formerly Invitae), Labcorp); PubMed 30718709 (cited by Labcorp Genetics (formerly Invitae), Labcorp); PubMed 31047384 (cited by Labcorp Genetics (formerly Invitae), Labcorp); PubMed 32467589 (cited by Labcorp Genetics (formerly Invitae), Labcorp).

NM_032119.4(ADGRV1):c.1180del (p.Ser394fs)

Gene: ADGRV1 (adhesion G protein-coupled receptor V1; plus strand). Cytogenetic location: 5q14.3.
Variant type: Deletion.
Coding change: c.1180del on transcript NM_032119.4 (MANE Select); coding-DNA position 1180, one base deleted (T; older notation c.1180delT).
Protein change: p.Ser394fs; shifts the reading frame from serine 394.
Molecular consequence: frameshift variant. On other transcripts: non-coding transcript variant (1).
Genome position (GRCh38, 1-based): chr5:90,627,718, T deleted; the last of 3 consecutive T bases (chr5:90,627,716-90,627,718); deleting any one gives the same sequence. VCF-style (leftmost placement, unchanged base first): chr5-90627715-CT-C. GRCh37 (hg19) VCF-style: chr5-89923532-CT-C.
Other names: c.1180delT (NM_032119.3); short protein forms S394fs.
Identifiers: ClinVar variation 666991 (VCV000666991.13), dbSNP rs1400695342, ClinGen allele CA561259529.
Genomic context (GRCh38, chr5:90,627,715, plus strand): 5'-CTAATAAGCCCTTCTGTTGTACAAGTCACCATTAAGCCAAATGATAAACCTTATGGAGTC[CT>C]TTCATTCAACAGTGTTTTGTTTGAAAGGACAGTTATAATTGATGAAGATAGAATATCAAG-3'